The following is an entry in ClinVar:

NM_001723.7(DST):c.4204A>G (p.Lys1402Glu)

Gene: DST (dystonin; minus strand). Cytogenetic location: 6p12.1.
Variant type: single nucleotide variant.
Coding change: c.4204A>G on transcript NM_001723.7 (MANE Plus Clinical); coding-DNA position 4204, A replaced by G.
Protein change: p.Lys1402Glu; replaces lysine 1402 with glutamic acid.
Molecular consequence: missense variant. On other transcripts: intron variant (10).
Genome position (GRCh38, 1-based): chr6:56,619,830, T>C on the plus strand (A>G on the coding strand, the complement: DST is on the minus strand). VCF-style: chr6-56619830-T-C. GRCh37 (hg19) VCF-style: chr6-56484628-T-C.
Other names: c.4830+4700A>G (NM_001144769.5); c.4929+4700A>G (NM_001374722.1, NM_001374736.1); c.4956+4700A>G (NM_001374734.1); c.4416+4700A>G (NM_001144770.2); c.4296+4700A>G (NM_001374730.1, NM_001386100.1, NM_183380.4 and 1 more transcripts); c.3318+4700A>G (NM_015548.5); short protein forms K1402E.
Identifiers: ClinVar variation 1521429 (VCV001521429.6), dbSNP rs866110458, ClinGen allele CA139209689.
Genomic context (GRCh38, chr6:56,619,830, plus strand): 5'-ACTTAAGGCATCTGAGTGTATTATTTGTTTCATCTAGTTTATCTTTTAGCAAACGAGCCT[T>C]TTCCTCAGATGACGTTTTTTCAAGCTGGAGGGCATTAAGTTCATATGTCAGCTCTCTCAT-3'
Protein context (NP_001714.1, residues 1392-1412): LQLEKTSSEE[Lys1402Glu]ARLLKDKLDE

ClinVar aggregate classification (germline): Uncertain significance (1 of 4 stars; one submission).

Conditions:
Hereditary sensory and autonomic neuropathy type 6. Also called: HSAN VI; Neuropathy, hereditary sensory and autonomic, type VI. Identifiers: Orphanet 314381, MedGen C3539003, MONDO:0013839, OMIM 614653.
Epidermolysis bullosa simplex 3, localized or generalized intermediate, with BP230 deficiency (EBS3). Also called: Epidermolysis bullosa simplex due to BP230 deficiency; Epidermolysis bullosa simplex, autosomal recessive 2. Identifiers: Orphanet 412181, MedGen C3809470, MONDO:0014180, OMIM 615425.

gnomAD v4.1: 8 of 1,614,194 alleles (0.0005%); highest among the groups gnomAD compares: East Asian, 0.0022%; no homozygotes.

Submission:

Labcorp Genetics (formerly Invitae), Labcorp
Classification: Uncertain significance for Epidermolysis bullosa simplex 3, localized or generalized intermediate, with BP230 deficiency; Hereditary sensory and autonomic neuropathy type 6. Last evaluated: 2021-04-09. Review status: criteria provided, single submitter. Criteria: Invitae Variant Classification Sherloc (09022015). Collection method: clinical testing. Allele origin: germline.
Comment: This sequence change replaces lysine with glutamic acid at codon 1402 of the DST protein (p.Lys1402Glu). The lysine residue is weakly conserved and there is a small physicochemical difference between lysine and glutamic acid. In summary, the available evidence is currently insufficient to determine the role of this variant in disease. Therefore, it has been classified as a Variant of Uncertain Significance. Algorithms developed to predict the effect of missense changes on protein structure and function (SIFT, PolyPhen-2, Align-GVGD) all suggest that this variant is likely to be tolerated, but these predictions have not been confirmed by published functional studies and their clinical significance is uncertain. This variant has not been reported in the literature in individuals with DST-related conditions. This variant is not present in population databases (ExAC no frequency).